The following is an entry in ClinVar:

ClinVar aggregate classification (germline): Pathogenic/Likely pathogenic. Review status: criteria provided, multiple submitters, no conflicts (2 of 4 stars). 23 submissions from 23 submitters: Pathogenic (20); Likely pathogenic (2). 1 of the submissions does not count toward it. Last evaluated 2026-09-16.

Conditions:
ACADM-related disorder. Also called: ACADM-related condition.
Inborn genetic diseases. Identifiers: MedGen C0950123, MeSH D030342.
Medium-chain acyl-coenzyme A dehydrogenase deficiency (ACADMD). Also called: CARNITINE DEFICIENCY SECONDARY TO MEDIUM-CHAIN ACYL-CoA DEHYDROGENASE DEFICIENCY; MCADH DEFICIENCY; MCADD; Medium chain acyl-CoA dehydrogenase deficiency; ACADM DEFICIENCY; MCAD Deficiency. Identifiers: Orphanet 42, MedGen C0220710, MONDO:0008721, OMIM 201450.

Allele frequency attached by ClinVar (database versions not stated): TOPMed 0.00071; gnomAD 0.00073 and 0.00047; gnomAD exomes 0.00050; ExAC 0.00061.
gnomAD v4.1: 1,330 of 1,613,800 alleles (0.082%); highest among the groups gnomAD compares: Non-Finnish European, 0.11%; no homozygotes.

Submissions 1 to 10 of 23:

PreventionGenetics, part of Exact Sciences
Classification: Likely pathogenic for ACADM-related condition. Last evaluated: 2026-09-16. Review status: criteria provided, single submitter. Criteria: ACMG Guidelines, 2015. Collection method: clinical testing. Allele origin: germline.
Comment: The ACADM c.199T>C variant is predicted to result in the amino acid substitution p.Tyr67His. This variant has been documented to be causative for medium chain acyl-CoA dehydrogenase deficiency (Zschoche et al. 2001. PubMed ID: 11409868). This variant is thought to be associated with a milder biochemical phenotype for this deficiency (Sturm et al. 2012. PubMed ID: 23028790; Waddell et al. 2006. PubMed ID: 16291504). In vitro functional studies revealed that c.199T>C is a temperature sensitive variant, and residual enzyme activity may decrease with fever (O’Reilly et al. 2004. PubMed ID: 15479234). This variant is reported in 0.10% of alleles in individuals of European (Non-Finnish) descent in gnomAD and is interpreted as likely pathogenic and pathogenic in ClinVar (Variation ID: 3597). Based on the available evidence, this variant is interpreted as likely pathogenic.

CeGaT Center for Human Genetics Tuebingen
Classification: Pathogenic. Last evaluated: 2026-08-01. Review status: criteria provided, single submitter. Criteria: CeGaT Center For Human Genetics Tuebingen Variant Classification Criteria Version 2. Collection method: clinical testing. Allele origin: germline. Affected: yes. Observed: 14 variant alleles.
Comment: ACADM: PM3:Very Strong, PM2, PP4:Moderate, PS3:Supporting

Labcorp Genetics (formerly Invitae), Labcorp
Classification: Pathogenic for Medium-chain acyl-coenzyme A dehydrogenase deficiency. Last evaluated: 2026-01-25. Review status: criteria provided, single submitter. Criteria: Invitae Variant Classification Sherloc (09022015). Collection method: clinical testing. Allele origin: germline.
Comment: This sequence change replaces tyrosine, which is neutral and polar, with histidine, which is basic and polar, at codon 67 of the ACADM protein (p.Tyr67His). This variant is present in population databases (rs121434280, gnomAD 0.1%), and has an allele count higher than expected for a pathogenic variant. This missense change has been observed in individual(s) with clinical features of ACADM-related conditions (PMID: 16291504, 18188679, 20036593, 20434380, 22166308, 22848008, 25940036). This variant is also known as p.Y42H. ClinVar contains an entry for this variant (Variation ID: 3597). Invitae Evidence Modeling of protein sequence and biophysical properties (such as structural, functional, and spatial information, amino acid conservation, physicochemical variation, residue mobility, and thermodynamic stability) indicates that this missense variant is not expected to disrupt ACADM protein function with a negative predictive value of 80%. Experimental studies have shown that this missense change affects ACADM function (PMID: 15479234, 19224950, 24718418). For these reasons, this variant has been classified as Pathogenic.

Mayo Clinic Laboratories, Mayo Clinic
Classification: Pathogenic. Last evaluated: 2025-12-12. Review status: criteria provided, single submitter. Criteria: ACMG Guidelines, 2015. Collection method: clinical testing. Allele origin: germline. Observed: 3 variant alleles.
Comment: PP4, PM2_supporting, PM3_strong, PS3

Natera, Inc.
Classification: Pathogenic for Medium Chain Acyl-CoA Dehydrogenase Deficiency. Last evaluated: 2025-10-01. Review status: criteria provided, single submitter. Criteria: Natera Variant Classification Schema (03/2026). Collection method: clinical testing. Allele origin: germline.
Comment: The c.199T>C variant in ACADM is a missense variant predicted to cause substitution of tyrosine to histidine at amino acid 67. This variant is rare in the general population with a frequency below the threshold expected for the associated phenotype(s). This variant has been observed in one or more individuals affected with the associated recessive disease, as either homozygous or compound heterozygous with a second variant (PMID: 22630369). Given the available evidence, this variant is classified as Pathogenic.

Quest Diagnostics Nichols Institute San Juan Capistrano
Classification: Pathogenic. Last evaluated: 2025-05-02. Review status: criteria provided, single submitter. Criteria: Quest Diagnostics criteria. Collection method: clinical testing. Allele origin: unknown.
Comment: The ACADM c.199T>C (p.Tyr67His) variant has been reported in the published literature in individuals with Medium-chain Acyl-CoA Dehydrogenase (MCAD) deficiency who also carried a second pathogenic ACADM variant (PMID: 38535124 (2024), 38535124 (2021), 32853555 (2020), 32778825 (2020), 31012112 (2019), 25940036 (2015)). Assessment of experimental evidence suggests this variant results in abnormal protein function (PMID: 26947917 (2016), 24966162 (2014), 19224950 (2009)). The frequency of this variant in the general population (Genome Aggregation Database) is uninformative in the assessment of its pathogenicity. Analysis of this variant using bioinformatics tools for the prediction of the effect of amino acid changes on protein structure and function yielded conflicting predictions that this variant is deleterious or benign. Based on the available information, this variant is classified as pathogenic.

Variantyx, Inc.
Classification: Pathogenic for Medium-chain acyl-coenzyme A dehydrogenase deficiency. Last evaluated: 2025-03-08. Review status: criteria provided, single submitter. Criteria: Variantyx Assertion Criteria 2022. Collection method: clinical testing. Allele origin: germline.
Comment: This is a nonsynonymous variant in the ACADM gene (OMIM: 607008). Pathogenic variants in this gene have been associated with autosomal recessive medium chain acyl-CoA dehydrogenase (MCAD) deficiency. This variant has been identified in the homozygous or compound heterozygous state in one or more of the following: the current proband, at least 7 individual(s) from the published literature (PMID: 16291504, 22166308, 18188679, 20434380, 20036593, 11409868, 23509891), or previous internal cases (PM3_Very_Strong). Functional studies have shown that this variant alters ACADM protein function (PMID: 15479234, 19780764, 19224950, 24966162, 24718418, 26947917, 22848008, 25940036) (PS3_Very_Strong). Computational algorithms produce conflicting evidence regarding the predicted functional impact of this variant (REVEL score: 0.556). This variant has a 0.1067% maximum allele frequency in non-founder control populations. Based on the current evidence, this variant is classified as pathogenic for autosomal recessive medium chain acyl-CoA dehydrogenase (MCAD) deficiency.

Revvity Omics, Revvity
Classification: Pathogenic for Medium-chain acyl-coenzyme A dehydrogenase deficiency. Last evaluated: 2025-01-08. Review status: criteria provided, single submitter. Criteria: ACMG Guidelines, 2015. Collection method: clinical testing. Allele origin: germline.

GeneDx
Classification: Pathogenic. Last evaluated: 2024-11-04. Review status: criteria provided, single submitter. Criteria: GeneDx Variant Classification Process June 2021. Collection method: clinical testing. Allele origin: germline. Affected: yes.
Comment: Published functional studies found this variant is associated with a mild reduction of enzyme activity at higher temperatures and partial rescue of enzyme activity with chaperonins suggesting this variant results in a mild folding defect (PMID: 11349232, 19224950, 24966162); Also known as p.(Y42H); This variant is associated with the following publications: (PMID: 18188679, 32853555, 26947917, 15832312, 25087612, 22975760, 26223887, 24718418, 35460704, 24966162, 23509891, 30609409, 31012112, 32778825, 23028790, 19780764, 33580884, 19224950, 31980526, 34850845, 15479234, 25940036, 11409868, 11349232)

Blueprint Genetics
Classification: Pathogenic for ACADM-related disorders. Last evaluated: 2024-09-10. Review status: criteria provided, single submitter. Criteria: ACMG Guidelines, 2015. Collection method: clinical testing. Allele origin: germline. Affected: yes. Observed: 5 variant alleles.

NM_000016.6(ACADM):c.199T>C (p.Tyr67His)

Gene: ACADM (acyl-CoA dehydrogenase medium chain; plus strand). Cytogenetic location: 1p31.1.
Variant type: single nucleotide variant.
Coding change: c.199T>C on transcript NM_000016.6 (MANE Select); coding-DNA position 199, T replaced by C.
Protein change: p.Tyr67His; replaces tyrosine 67 with histidine.
Molecular consequence: missense variant. On other transcripts: 5 prime UTR variant (1).
Genome position (GRCh38, 1-based): chr1:75,732,724, T>C. VCF-style: chr1-75732724-T-C. GRCh37 (hg19) VCF-style: chr1-76198409-T-C.
Other names: Y42H; p.Y67H:TAT>CAT; MC Y67h; 199T>C; c.211T>C, p.Tyr71His (NM_001127328.3); c.91T>C, p.Tyr31His (NM_001286042.2); c.199T>C, p.Tyr67His (NM_001286043.2); c.-187T>C (NM_001286044.2); short protein forms Y67H, Y71H, Y31H.
Identifiers: ClinVar variation 3597 (VCV000003597.96), dbSNP rs121434280, ClinGen allele CA252836.